The following is an entry in ClinVar:

NM_033118.4(MYLK2):c.1534G>A (p.Glu512Lys)

Gene: MYLK2 (myosin light chain kinase 2; plus strand). Cytogenetic location: 20q11.21.
Variant type: single nucleotide variant.
Coding change: c.1534G>A on transcript NM_033118.4 (MANE Select); coding-DNA position 1534, G replaced by A.
Protein change: p.Glu512Lys; replaces glutamic acid 512 with lysine.
Molecular consequence: missense variant.
Genome position (GRCh38, 1-based): chr20:31,831,812, G>A. VCF-style: chr20-31831812-G-A. GRCh37 (hg19) VCF-style: chr20-30419615-G-A.
Other names: short protein forms E512K.
Identifiers: ClinVar variation 1774699 (VCV001774699.3), dbSNP rs767857271, ClinGen allele CA9803250.

ClinVar aggregate classification (germline): Uncertain significance (1 of 4 stars; one submission).

Submission:

Ambry Genetics
Classification: Uncertain significance. Last evaluated: 2025-08-06. Review status: criteria provided, single submitter. Criteria: Ambry Variant Classification Scheme 2023. Collection method: clinical testing. Allele origin: germline.
Comment: The p.E512K variant (also known as c.1534G>A), located in coding exon 10 of the MYLK2 gene, results from a G to A substitution at nucleotide position 1534. The glutamic acid at codon 512 is replaced by lysine, an amino acid with similar properties. This amino acid position is conserved. In addition, the in silico prediction for this alteration is inconclusive. Since supporting evidence is limited at this time, the clinical significance of this alteration remains unclear.